The following is an entry in ClinVar:

NM_000548.5(TSC2):c.1202A>G (p.His401Arg)

Gene: TSC2 (TSC complex subunit 2; plus strand). Cytogenetic location: 16p13.3.
Variant type: single nucleotide variant.
Coding change: c.1202A>G on transcript NM_000548.5 (MANE Select); coding-DNA position 1202, A replaced by G.
Protein change: p.His401Arg; replaces histidine 401 with arginine.
Molecular consequence: missense variant.
Genome position (GRCh38, 1-based): chr16:2,061,953, A>G. VCF-style: chr16-2061953-A-G. GRCh37 (hg19) VCF-style: chr16-2111954-A-G.
Other names: c.1202A>G, p.His401Arg (NM_001077183.3, NM_001114382.3, NM_001363528.2 and 3 more transcripts); c.1091A>G, p.His364Arg (NM_001318827.2); c.1055A>G, p.His352Arg (NM_001318829.2); c.602A>G, p.His201Arg (NM_001318831.2); c.1235A>G, p.His412Arg (NM_001318832.2); short protein forms H352R, H401R, H412R, H364R, H201R.
Identifiers: ClinVar variation 1513680 (VCV001513680.10), dbSNP rs2086691569, ClinGen allele CA394320790.

ClinVar aggregate classification (germline): Uncertain significance. Review status: criteria provided, multiple submitters, no conflicts (2 of 4 stars). 3 submissions from 3 submitters: Uncertain significance (3). Last evaluated 2025-09-07.

Conditions:
Hereditary cancer-predisposing syndrome. Also called: Neoplastic Syndromes, Hereditary; Hereditary Cancer Syndrome; Tumor predisposition; Hereditary neoplastic syndrome. Identifiers: Orphanet 140162, MedGen C0027672, MeSH D009386, MONDO:0015356.
Tuberous sclerosis 2 (TSC2). Identifiers: Orphanet 805, MedGen C1860707, MONDO:0013199, OMIM 613254.

Allele frequency attached by ClinVar (database versions not stated): gnomAD exomes below 0.00001; TOPMed 0.00001.
gnomAD v4.1: 4 of 1,614,170 alleles (0.00025%); highest among the groups gnomAD compares: South Asian, 0.0022%; no homozygotes.

Submissions (3):

Labcorp Genetics (formerly Invitae), Labcorp
Classification: Uncertain significance for Tuberous sclerosis 2. Last evaluated: 2025-09-07. Review status: criteria provided, single submitter. Criteria: Invitae Variant Classification Sherloc (09022015). Collection method: clinical testing. Allele origin: germline.
Comment: This sequence change replaces histidine, which is basic and polar, with arginine, which is basic and polar, at codon 401 of the TSC2 protein (p.His401Arg). This variant is not present in population databases (gnomAD no frequency). This variant has not been reported in the literature in individuals affected with TSC2-related conditions. ClinVar contains an entry for this variant (Variation ID: 1513680). Invitae Evidence Modeling of protein sequence and biophysical properties (such as structural, functional, and spatial information, amino acid conservation, physicochemical variation, residue mobility, and thermodynamic stability) indicates that this missense variant is not expected to disrupt TSC2 protein function with a negative predictive value of 95%. In summary, the available evidence is currently insufficient to determine the role of this variant in disease. Therefore, it has been classified as a Variant of Uncertain Significance.

Ambry Genetics
Classification: Uncertain significance for Hereditary cancer-predisposing syndrome. Last evaluated: 2025-01-11. Review status: criteria provided, single submitter. Criteria: Ambry Variant Classification Scheme 2023. Collection method: clinical testing. Allele origin: germline.
Comment: The p.H401R variant (also known as c.1202A>G), located in coding exon 11 of the TSC2 gene, results from an A to G substitution at nucleotide position 1202. The histidine at codon 401 is replaced by arginine, an amino acid with highly similar properties. This amino acid position is highly conserved in available vertebrate species. In addition, this alteration is predicted to be deleterious by in silico analysis. Based on the available evidence, the clinical significance of this variant remains unclear.

GeneDx
Classification: Uncertain significance. Last evaluated: 2022-05-04. Review status: criteria provided, single submitter. Criteria: GeneDx Variant Classification Process June 2021. Collection method: clinical testing. Allele origin: germline. Affected: yes.
Comment: Not observed at significant frequency in large population cohorts (gnomAD); In silico analysis supports that this missense variant has a deleterious effect on protein structure/function; Has not been previously published as pathogenic or benign to our knowledge; This variant is associated with the following publications: (PMID: 18466115)